The following is an entry in ClinVar:

NM_022168.4(IFIH1):c.766T>G (p.Ser256Ala)

Gene: IFIH1 (interferon induced with helicase C domain 1; minus strand). Cytogenetic location: 2q24.2.
Variant type: single nucleotide variant.
Coding change: c.766T>G on transcript NM_022168.4 (MANE Select); coding-DNA position 766, T replaced by G.
Protein change: p.Ser256Ala; replaces serine 256 with alanine.
Molecular consequence: missense variant.
Genome position (GRCh38, 1-based): chr2:162,306,712, A>C on the plus strand (T>G on the coding strand, the complement: IFIH1 is on the minus strand). VCF-style: chr2-162306712-A-C. GRCh37 (hg19) VCF-style: chr2-163163222-A-C.
Other names: short protein forms S256A.
Identifiers: ClinVar variation 1945570 (VCV001945570.5), dbSNP rs376586780, ClinGen allele CA59685822.

ClinVar aggregate classification (germline): Uncertain significance (1 of 4 stars; one submission).

Conditions:
Singleton-Merten syndrome 1 (SGMRT1). Also called: Widened medullary cavities of bone, aortic calcification, abnormal dentition, and muscular weakness; Syndrome of widened medullary cavities of the metacarpals and phalanges, aortic calcification and abnormal dentition. Identifiers: Orphanet 85191, MedGen C4225427, MONDO:0024535, OMIM 182250.
Aicardi-Goutieres syndrome 7 (AGS7). Identifiers: Orphanet 51, MedGen C3888244, MONDO:0014367, OMIM 615846.

Allele frequency attached by ClinVar (database versions not stated): TOPMed 0.00002; gnomAD 0.00002; ESP Exome Variant Server 0.00008.
gnomAD v4.1: 3 of 1,613,530 alleles (0.00019%); highest among the groups gnomAD compares: African/African-American, 0.004%; no homozygotes.

Submission:

Labcorp Genetics (formerly Invitae), Labcorp
Classification: Uncertain significance for Aicardi-Goutieres syndrome 7; Singleton-Merten syndrome 1. Last evaluated: 2025-05-04. Review status: criteria provided, single submitter. Criteria: Invitae Variant Classification Sherloc (09022015). Collection method: clinical testing. Allele origin: germline.
Comment: This sequence change replaces serine, which is neutral and polar, with alanine, which is neutral and non-polar, at codon 256 of the IFIH1 protein (p.Ser256Ala). This variant is present in population databases (rs376586780, gnomAD 0.01%). This variant has not been reported in the literature in individuals affected with IFIH1-related conditions. ClinVar contains an entry for this variant (Variation ID: 1945570). Invitae Evidence Modeling of protein sequence and biophysical properties (such as structural, functional, and spatial information, amino acid conservation, physicochemical variation, residue mobility, and thermodynamic stability) has been performed for this missense variant. However, the output from this modeling did not meet the statistical confidence thresholds required to predict the impact of this variant on IFIH1 protein function. In summary, the available evidence is currently insufficient to determine the role of this variant in disease. Therefore, it has been classified as a Variant of Uncertain Significance.